The following is an entry in ClinVar:

NM_001365276.2(TNXB):c.3481C>T (p.His1161Tyr)

Gene: TNXB (tenascin XB; minus strand). Cytogenetic location: 6p21.33.
Variant type: single nucleotide variant.
Coding change: c.3481C>T on transcript NM_001365276.2 (MANE Select); coding-DNA position 3481, C replaced by T.
Protein change: p.His1161Tyr; replaces histidine 1161 with tyrosine.
Molecular consequence: missense variant.
Genome position (GRCh38, 1-based): chr6:32,082,291, G>A on the plus strand (C>T on the coding strand, the complement: TNXB is on the minus strand). VCF-style: chr6-32082291-G-A. GRCh37 (hg19) VCF-style: chr6-32050068-G-A.
Other names: c.4222C>T, p.His1408Tyr (NM_001428335.1); c.3481C>T, p.His1161Tyr (NM_019105.8); short protein forms H1161Y, H1408Y.
Identifiers: ClinVar variation 4188706 (VCV004188706.1).

ClinVar aggregate classification (germline): Uncertain significance (1 of 4 stars; one submission).

Conditions:
Cardiovascular phenotype. Identifiers: MedGen CN230736.

gnomAD v4.1: 15 of 1,600,902 alleles (0.00094%); highest among the groups gnomAD compares: African/African-American, 0.0013%; no homozygotes.

Submission:

Ambry Genetics
Classification: Uncertain significance for Cardiovascular phenotype. Last evaluated: 2025-07-29. Review status: criteria provided, single submitter. Criteria: Ambry Variant Classification Scheme 2023. Collection method: clinical testing. Allele origin: germline.
Comment: The p.H1161Y variant (also known as c.3481C>T), located in coding exon 8 of the TNXB gene, results from a C to T substitution at nucleotide position 3481. The histidine at codon 1161 is replaced by tyrosine, an amino acid with similar properties. This amino acid position is conserved. In addition, this alteration is predicted to be tolerated by in silico analysis. Based on the available evidence, the clinical significance of this variant remains unclear.